The following is an entry in ClinVar:

NM_018124.4(RFWD3):c.95G>C (p.Gly32Ala)

Gene: RFWD3 (ring finger and WD repeat domain 3; minus strand). Cytogenetic location: 16q23.1.
Variant type: single nucleotide variant.
Coding change: c.95G>C on transcript NM_018124.4 (MANE Select); coding-DNA position 95, G replaced by C.
Protein change: p.Gly32Ala; replaces glycine 32 with alanine.
Molecular consequence: missense variant. On other transcripts: 5 prime UTR variant (4), intron variant (1).
Genome position (GRCh38, 1-based): chr16:74,661,355, C>G on the plus strand (G>C on the coding strand, the complement: RFWD3 is on the minus strand). VCF-style: chr16-74661355-C-G. GRCh37 (hg19) VCF-style: chr16-74695253-C-G.
Other names: c.95G>C, p.Gly32Ala (NM_001370534.1, NM_001370535.1, NM_001370536.1); c.-914G>C (NM_001370537.1); c.-537G>C (NM_001370539.1, NM_001370541.1); c.-791G>C (NM_001370542.1); c.-669G>C (NM_001370543.1); c.-317+3269G>C (NM_001370540.1); short protein forms G32A.
Identifiers: ClinVar variation 2784696 (VCV002784696.3), dbSNP rs533062966, ClinGen allele CA8169653.
Genomic context (GRCh38, chr16:74,661,355, plus strand): 5'-ATGGATGGTACCCCCTGGCTGCTGACCACATCAGCAGGAACAGGCTGGAGGAGGGCTGGT[C>G]CCCCTTGGCTGCTGGCCATGCCAGCAGGAGCTGGCTGTTGTTCGGCATGATTTAACTGCA-3'
Protein context (NP_060594.3, residues 22-42): APAGMASSQG[Gly32Ala]PALLQPVPAD

ClinVar aggregate classification (germline): Uncertain significance (1 of 4 stars; one submission).

gnomAD v4.1: 1 of 1,613,894 alleles (0.000062%); no homozygotes.

Submission:

Labcorp Genetics (formerly Invitae), Labcorp
Classification: Uncertain significance. Last evaluated: 2023-12-25. Review status: criteria provided, single submitter. Criteria: Invitae Variant Classification Sherloc (09022015). Collection method: clinical testing. Allele origin: germline.
Comment: This sequence change replaces glycine, which is neutral and non-polar, with alanine, which is neutral and non-polar, at codon 32 of the RFWD3 protein (p.Gly32Ala). This variant is present in population databases (rs533062966, gnomAD 0.01%). This variant has not been reported in the literature in individuals affected with RFWD3-related conditions. An algorithm developed to predict the effect of missense changes on protein structure and function (PolyPhen-2) suggests that this variant is likely to be tolerated. In summary, the available evidence is currently insufficient to determine the role of this variant in disease. Therefore, it has been classified as a Variant of Uncertain Significance.